The following is an entry in ClinVar:

NM_002497.4(NEK2):c.524C>T (p.Thr175Ile)

Gene: NEK2 (NIMA related kinase 2; minus strand). Cytogenetic location: 1q32.3.
Variant type: single nucleotide variant.
Coding change: c.524C>T on transcript NM_002497.4 (MANE Select); coding-DNA position 524, C replaced by T.
Protein change: p.Thr175Ile; replaces threonine 175 with isoleucine.
Molecular consequence: missense variant.
Genome position (GRCh38, 1-based): chr1:211,673,514, G>A on the plus strand (C>T on the coding strand, the complement: NEK2 is on the minus strand). VCF-style: chr1-211673514-G-A. GRCh37 (hg19) VCF-style: chr1-211846856-G-A.
Other names: c.524C>T, p.Thr175Ile (NM_001204182.2, NM_001204183.2); short protein forms T175I.
Identifiers: ClinVar variation 1476414 (VCV001476414.8), dbSNP rs777421680, ClinGen allele CA1381674.

ClinVar aggregate classification (germline): Uncertain significance (1 of 4 stars; one submission).

Allele frequency attached by ClinVar (database versions not stated): gnomAD 0.00001; gnomAD exomes 0.00001; ExAC 0.00003.
gnomAD v4.1: 11 of 1,613,878 alleles (0.00068%); highest among the groups gnomAD compares: Non-Finnish European, 0.00034%; no homozygotes.

Submission:

Labcorp Genetics (formerly Invitae), Labcorp
Classification: Uncertain significance. Last evaluated: 2025-10-22. Review status: criteria provided, single submitter. Criteria: Invitae Variant Classification Sherloc (09022015). Collection method: clinical testing. Allele origin: germline.
Comment: This sequence change replaces threonine, which is neutral and polar, with isoleucine, which is neutral and non-polar, at codon 175 of the NEK2 protein (p.Thr175Ile). This variant is present in population databases (rs777421680, gnomAD 0.004%). This variant has not been reported in the literature in individuals affected with NEK2-related conditions. ClinVar contains an entry for this variant (Variation ID: 1476414). An algorithm developed to predict the effect of missense changes on protein structure and function (PolyPhen-2) suggests that this variant is likely to be disruptive. In summary, the available evidence is currently insufficient to determine the role of this variant in disease. Therefore, it has been classified as a Variant of Uncertain Significance.